The following is an entry in ClinVar:

NM_006767.4(LZTR1):c.792-304G>C

Gene: LZTR1 (leucine zipper like post translational regulator 1; plus strand). Cytogenetic location: 22q11.21.
Variant type: single nucleotide variant.
Coding change: c.792-304G>C on transcript NM_006767.4 (MANE Select); 304 bases into the intron before coding-DNA position 792, G replaced by C.
Molecular consequence: intron variant.
Genome position (GRCh38, 1-based): chr22:20,991,324, G>C. VCF-style: chr22-20991324-G-C. GRCh37 (hg19) VCF-style: chr22-21345613-G-C.
Identifiers: ClinVar variation 561931 (VCV000561931.1), dbSNP rs117710462, ClinGen allele CA322326930.

ClinVar aggregate classification (germline): Likely benign (1 of 4 stars; one submission).

Allele frequency attached by ClinVar (database versions not stated): gnomAD 0.01931 and 0.02164; TOPMed 0.02752; 1000 Genomes Project 0.05491; 1000 Genomes Project 30x 0.05497.
gnomAD v4.1: 9,987 of 440,560 alleles (2.3%); highest among the groups gnomAD compares: East Asian, 18%; 635 homozygotes.

Submission:

GeneDx
Classification: Likely benign. Last evaluated: 2018-06-16. Review status: criteria provided, single submitter. Criteria: GeneDx Variant Classification (06012015). Collection method: clinical testing. Allele origin: germline. Affected: yes.
Comment: This variant is considered likely benign or benign based on one or more of the following criteria: it is a conservative change, it occurs at a poorly conserved position in the protein, it is predicted to be benign by multiple in silico algorithms, and/or has population frequency not consistent with disease.